The following is an entry in ClinVar:

ClinVar aggregate classification (germline): Benign/Likely benign. Review status: criteria provided, multiple submitters, no conflicts (2 of 4 stars). 6 submissions from 6 submitters: Benign (1); Likely benign (3). 2 of the submissions do not count toward it. Last evaluated 2026-02-02.

Conditions:
Glycine encephalopathy. Also called: Non-ketotic hyperglycinemia; Nonketotic hyperglycinemia. Identifiers: Orphanet 407, MedGen C0751748, MONDO:0011612, HP:0008288.
GLDC-related disorder. Also called: GLDC-related condition.

Allele frequency attached by ClinVar (database versions not stated): 1000 Genomes Project 30x 0.00234; 1000 Genomes Project 0.00240; ExAC 0.00980; gnomAD 0.00001 and 0.00019; TOPMed 0.00005; gnomAD exomes 0.00169.
gnomAD v4.1: 211 of 1,275,350 alleles (0.017%); highest among the groups gnomAD compares: South Asian, 0.57%; 3 homozygotes.

Submissions (6):

Labcorp Genetics (formerly Invitae), Labcorp
Classification: Benign for Glycine encephalopathy. Last evaluated: 2026-02-02. Review status: criteria provided, single submitter. Criteria: Invitae Variant Classification Sherloc (09022015). Collection method: clinical testing. Allele origin: germline.

Blueprint Genetics
Classification: Likely benign. Last evaluated: 2024-10-23. Review status: criteria provided, single submitter. Criteria: ACMG Guidelines, 2015. Collection method: clinical testing. Allele origin: germline.

GeneDx
Classification: Likely benign. Last evaluated: 2018-08-14. Review status: criteria provided, single submitter. Criteria: GeneDx Variant Classification Process June 2021. Collection method: clinical testing. Allele origin: germline. Affected: yes.

Illumina Laboratory Services, Illumina
Classification: Likely benign for Glycine encephalopathy 1. Last evaluated: 2018-01-13. Review status: criteria provided, single submitter. Criteria: ICSL Variant Classification Criteria 13 December 2019. Collection method: clinical testing. Allele origin: germline.
Comment: This variant was observed in the ICSL laboratory as part of a predisposition screen in an ostensibly healthy population. It had not been previously curated by ICSL or reported in the Human Gene Mutation Database (HGMD: prior to June 1st, 2018), and was therefore a candidate for classification through an automated scoring system. Utilizing variant allele frequency, disease prevalence and penetrance estimates, and inheritance mode, an automated score was calculated to assess if this variant is too frequent to cause the disease. Based on the score and internal cut-off values, a variant classified as likely benign is not then subjected to further curation. The score for this variant resulted in a classification of likely benign for this disease.

Natera, Inc.
Classification: Likely benign for Non-ketotic hyperglycinemia. Last evaluated: 2020-06-07. Review status: no assertion criteria provided. Collection method: clinical testing. Allele origin: germline. Not counted in ClinVar's aggregate classification.

PreventionGenetics, part of Exact Sciences
Classification: Benign for GLDC-related condition. Last evaluated: 2020-03-03. Review status: no assertion criteria provided. Collection method: clinical testing. Allele origin: germline. Not counted in ClinVar's aggregate classification.
Comment: This variant is classified as benign based on ACMG/AMP sequence variant interpretation guidelines (Richards et al. 2015 PMID: 25741868, with internal and published modifications).

NM_000170.3(GLDC):c.63C>A (p.Arg21=)

Gene: GLDC (glycine decarboxylase; minus strand). Cytogenetic location: 9p24.1.
Variant type: single nucleotide variant.
Coding change: c.63C>A on transcript NM_000170.3 (MANE Select); coding-DNA position 63, C replaced by A.
Protein change: p.Arg21=; no amino-acid change (arginine 21 retained).
Molecular consequence: synonymous variant.
Genome position (GRCh38, 1-based): chr9:6,645,437, G>T on the plus strand (C>A on the coding strand, the complement: GLDC is on the minus strand). VCF-style: chr9-6645437-G-T. GRCh37 (hg19) VCF-style: chr9-6645437-G-T.
Identifiers: ClinVar variation 367207 (VCV000367207.21), dbSNP rs372141443, ClinGen allele CA4981295.